The following is an entry in ClinVar:

NM_001042681.2(RERE):c.2613C>T (p.Pro871=)

Gene: RERE (arginine-glutamic acid dipeptide repeats; minus strand). Cytogenetic location: 1p36.23.
Variant type: single nucleotide variant.
Coding change: c.2613C>T on transcript NM_001042681.2 (MANE Select); coding-DNA position 2613, C replaced by T.
Protein change: p.Pro871=; no amino-acid change (proline 871 retained).
Molecular consequence: synonymous variant.
Genome position (GRCh38, 1-based): chr1:8,360,894, G>A on the plus strand (C>T on the coding strand, the complement: RERE is on the minus strand). VCF-style: chr1-8360894-G-A. GRCh37 (hg19) VCF-style: chr1-8420954-G-A.
Other names: c.951C>T, p.Pro317= (NM_001042682.2); c.2613C>T, p.Pro871= (NM_012102.4).
Identifiers: ClinVar variation 4281149 (VCV004281149.7).

ClinVar aggregate classification (germline): Likely benign (1 of 4 stars; one submission).

gnomAD v4.1: 73 of 1,505,416 alleles (0.0048%); highest among the groups gnomAD compares: Admixed American, 0.0065%; no homozygotes.

Submission:

CeGaT Center for Human Genetics Tuebingen
Classification: Likely benign. Last evaluated: 2026-01-01. Review status: criteria provided, single submitter. Criteria: CeGaT Center For Human Genetics Tuebingen Variant Classification Criteria Version 2. Collection method: clinical testing. Allele origin: germline. Affected: yes. Observed: 3 variant alleles.
Comment: RERE: BP4, BP7